The following is an entry in ClinVar:

NM_004304.5(ALK):c.4397C>T (p.Pro1466Leu)

Gene: ALK (ALK receptor tyrosine kinase; minus strand). Cytogenetic location: 2p23.2.
Variant type: single nucleotide variant.
Coding change: c.4397C>T on transcript NM_004304.5 (MANE Select); coding-DNA position 4397, C replaced by T.
Protein change: p.Pro1466Leu; replaces proline 1466 with leucine.
Molecular consequence: missense variant.
Genome position (GRCh38, 1-based): chr2:29,193,690, G>A on the plus strand (C>T on the coding strand, the complement: ALK is on the minus strand). VCF-style: chr2-29193690-G-A. GRCh37 (hg19) VCF-style: chr2-29416556-G-A.
Other names: c.1193C>T, p.Pro398Leu (NM_001353765.2); short protein forms P398L, P1466L.
Identifiers: ClinVar variation 1518103 (VCV001518103.10), dbSNP rs1368483124, ClinGen allele CA346462232.
Genomic context (GRCh38, chr2:29,193,690, plus strand): 5'-GGAGGGTTGGACTGAGAGAATGCCATATTCACGTGTCCCCCTTCCACGGCCGGCCCTCTA[G>A]GGACTCGAACAGAGATCTCTGCAGCTGTGGGTTTCTTTGCAGCCTTGCCAGAGGAGGTGG-3'
Protein context (NP_004295.2, residues 1456-1476): PTAAEISVRV[Pro1466Leu]RGPAVEGGHV

ClinVar aggregate classification (germline): Uncertain significance. Review status: criteria provided, multiple submitters, no conflicts (2 of 4 stars). 2 submissions from 2 submitters: Uncertain significance (2). Last evaluated 2022-05-19.

Conditions:
Hereditary cancer-predisposing syndrome. Also called: Neoplastic Syndromes, Hereditary; Hereditary Cancer Syndrome; Tumor predisposition; Hereditary neoplastic syndrome. Identifiers: Orphanet 140162, MedGen C0027672, MeSH D009386, MONDO:0015356.
Neuroblastoma, susceptibility to, 3. Also called: ALK-Related Neuroblastic Tumor Susceptibility. Identifiers: Orphanet 635, MedGen C2751681, MONDO:0013083, OMIM 613014.

Submissions (2):

Ambry Genetics
Classification: Uncertain significance for Hereditary cancer-predisposing syndrome. Last evaluated: 2022-05-19. Review status: criteria provided, single submitter. Criteria: Ambry Variant Classification Scheme 2023. Collection method: clinical testing. Allele origin: germline.
Comment: The p.P1466L variant (also known as c.4397C>T), located in coding exon 29 of the ALK gene, results from a C to T substitution at nucleotide position 4397. The proline at codon 1466 is replaced by leucine, an amino acid with similar properties. This amino acid position is conserved. In addition, this alteration is predicted to be tolerated by in silico analysis. Since supporting evidence is limited at this time, the clinical significance of this alteration remains unclear.

Labcorp Genetics (formerly Invitae), Labcorp
Classification: Uncertain significance for Neuroblastoma, susceptibility to, 3. Last evaluated: 2021-03-21. Review status: criteria provided, single submitter. Criteria: Invitae Variant Classification Sherloc (09022015). Collection method: clinical testing. Allele origin: germline.
Comment: In summary, the available evidence is currently insufficient to determine the role of this variant in disease. Therefore, it has been classified as a Variant of Uncertain Significance. Algorithms developed to predict the effect of missense changes on protein structure and function output the following: SIFT: "Tolerated"; PolyPhen-2: "Benign"; Align-GVGD: "Class C0". The leucine amino acid residue is found in multiple mammalian species, suggesting that this missense change does not adversely affect protein function. These predictions have not been confirmed by published functional studies and their clinical significance is uncertain. This variant has not been reported in the literature in individuals with ALK-related conditions. This variant is not present in population databases (ExAC no frequency). This sequence change replaces proline with leucine at codon 1466 of the ALK protein (p.Pro1466Leu). The proline residue is weakly conserved and there is a moderate physicochemical difference between proline and leucine.